The following is an entry in ClinVar:

ClinVar aggregate classification (germline): Pathogenic. Review status: criteria provided, multiple submitters, no conflicts (2 of 4 stars). 3 submissions from 3 submitters: Pathogenic (3). Last evaluated 2024-02-06.

Conditions:
Tuberous sclerosis 1 (TSC1). Identifiers: Orphanet 805, MedGen C1854465, MONDO:0008612, OMIM 191100.
Hereditary cancer-predisposing syndrome. Also called: Tumor predisposition; Neoplastic Syndromes, Hereditary; Hereditary neoplastic syndrome; Hereditary Cancer Syndrome. Identifiers: Orphanet 140162, MedGen C0027672, MeSH D009386, MONDO:0015356.

Submissions (3):

Labcorp Genetics (formerly Invitae), Labcorp
Classification: Pathogenic for Tuberous sclerosis 1. Last evaluated: 2024-02-06. Review status: criteria provided, single submitter. Criteria: Invitae Variant Classification Sherloc (09022015). Collection method: clinical testing. Allele origin: germline.
Comment: This sequence change creates a premature translational stop signal (p.Gln865*) in the TSC1 gene. It is expected to result in an absent or disrupted protein product. Loss-of-function variants in TSC1 are known to be pathogenic (PMID: 10227394, 17304050). This variant is not present in population databases (gnomAD no frequency). This variant has not been reported in the literature in individuals affected with TSC1-related conditions. ClinVar contains an entry for this variant (Variation ID: 265605). For these reasons, this variant has been classified as Pathogenic.

Ambry Genetics
Classification: Pathogenic for Hereditary cancer-predisposing syndrome. Last evaluated: 2021-10-06. Review status: criteria provided, single submitter. Criteria: Ambry Variant Classification Scheme 2023. Collection method: clinical testing. Allele origin: germline.
Comment: The p.Q865* pathogenic mutation (also known as c.2593C>T), located in coding exon 18 of the TSC1 gene, results from a C to T substitution at nucleotide position 2593. This changes the amino acid from a glutamine to a stop codon within coding exon 18. This variant is considered to be rare based on population cohorts in the Genome Aggregation Database (gnomAD). This alteration is expected to result in loss of function by premature protein truncation or nonsense-mediated mRNA decay. As such, this alteration is interpreted as a disease-causing mutation.

GeneDx
Classification: Pathogenic. Last evaluated: 2016-06-16. Review status: criteria provided, single submitter. Criteria: GeneDx Variant Classification (06012015). Collection method: clinical testing. Allele origin: germline. Affected: yes.
Comment: The Q865X nonsense variant in the TSC1 gene has been reported previously in association withtuberous sclerosis complex (TSC1 LOVD). It was not observed in approximately 6,500 individuals of European and African American ancestry in the NHLBI Exome Sequencing Project, indicating it is not a common benign variant in these populations. This pathogenic variant is predicted to cause loss of normal protein function either through protein truncation or nonsense- mediated mRNA decay.

Literature cited by the submitters: PubMed 10227394 (cited by Labcorp Genetics (formerly Invitae), Labcorp); PubMed 17304050 (cited by Labcorp Genetics (formerly Invitae), Labcorp).

NM_000368.5(TSC1):c.2593C>T (p.Gln865Ter)

Gene: TSC1 (TSC complex subunit 1; minus strand). Cytogenetic location: 9q34.13.
Variant type: single nucleotide variant.
Coding change: c.2593C>T on transcript NM_000368.5 (MANE Select); coding-DNA position 2593, C replaced by T.
Protein change: p.Gln865Ter; replaces glutamine 865 with a stop codon.
Molecular consequence: nonsense.
Genome position (GRCh38, 1-based): chr9:132,900,747, G>A on the plus strand (C>T on the coding strand, the complement: TSC1 is on the minus strand). VCF-style: chr9-132900747-G-A. GRCh37 (hg19) VCF-style: chr9-135776134-G-A.
Other names: c.2590C>T, p.Gln864Ter (NM_001162426.2); c.2440C>T, p.Gln814Ter (NM_001162427.2); c.2230C>T, p.Gln744Ter (NM_001362177.2); short protein forms Q865*, Q814*, Q744*, Q864*.
Identifiers: ClinVar variation 265605 (VCV000265605.10), dbSNP rs886039662, ClinGen allele CA10588469.